The following is an entry in ClinVar:

ClinVar aggregate classification (germline): Pathogenic (1 of 4 stars; one submission).

Conditions:
Methylmalonic aciduria, cblB type (MACB). Also called: Vitamin B12-responsive methylmalonic acidemia type cblB; METHYLMALONIC ACIDURIA, VITAMIN B12-RESPONSIVE, DUE TO DEFECT IN SYNTHESIS OF ADENOSYLCOBALAMIN, cblB TYPE; Methylmalonic acidemia cblB type. Identifiers: Orphanet 28, Orphanet 79311, MedGen C1855102, MONDO:0009614, OMIM 251110.

Submission:

Myriad Genetics, Inc.
Classification: Pathogenic for Methylmalonic aciduria, cblB type. Last evaluated: 2025-09-02. Review status: criteria provided, single submitter. Criteria: Myriad Autosomal Dominant, Autosomal Recessive and X-Linked Classification Criteria (2023). Collection method: clinical testing. Allele origin: unknown.
Comment: NM_052845.3(MMAB):c.575_581del7(A192Dfs*20) is a frameshift variant classified as pathogenic in the context of methylmalonic acidemia, cblB type. A192Dfs*20 has not been observed in cases with relevant disease. Relevant functional assessments of this variant are not available in the literature. A192Dfs*20 has not been observed in referenced population frequency databases. In summary, NM_052845.3(MMAB):c.575_581del7(A192Dfs*20) is a frameshift variant in a gene where loss of function is a known mechanism of disease and is predicted to disrupt protein function. Please note: this variant was assessed in the context of healthy population screening.

NM_052845.4(MMAB):c.575_581del (p.Ala192fs)

Gene: MMAB (metabolism of cobalamin associated B; minus strand). Cytogenetic location: 12q24.11.
Variant type: Deletion.
Coding change: c.575_581del on transcript NM_052845.4 (MANE Select); coding-DNA positions 575 to 581, 7 bases deleted (CCGAGAG; older notation c.575_581delCCGAGAG).
Protein change: p.Ala192fs; shifts the reading frame from alanine 192.
Molecular consequence: frameshift variant. On other transcripts: non-coding transcript variant (1).
Genome position (GRCh38, 1-based): chr12:109,561,043-109,561,049, CTCTCGG deleted on the plus strand (CCGAGAG on the coding strand, the reverse complement: MMAB is on the minus strand); deleting any 7 consecutive bases within chr12:109,561,043-109,561,050 gives the same sequence; the c. name uses the placement nearest the transcript's 3' end. VCF-style (leftmost placement, unchanged base first): chr12-109561042-TCTCTCGG-T. GRCh37 (hg19) VCF-style: chr12-109998847-TCTCTCGG-T.
Other names: short protein forms A192fs.
Identifiers: ClinVar variation 5004144 (VCV005004144.1).